The following is an entry in ClinVar:

NM_001080449.3(DNA2):c.1711A>G (p.Ile571Val)

Gene: DNA2 (DNA replication helicase/nuclease 2; minus strand). Cytogenetic location: 10q21.3.
Variant type: single nucleotide variant.
Coding change: c.1711A>G on transcript NM_001080449.3 (MANE Select); coding-DNA position 1711, A replaced by G.
Protein change: p.Ile571Val; replaces isoleucine 571 with valine.
Molecular consequence: missense variant. On other transcripts: non-coding transcript variant (1).
Genome position (GRCh38, 1-based): chr10:68,432,446, T>C on the plus strand (A>G on the coding strand, the complement: DNA2 is on the minus strand). VCF-style: chr10-68432446-T-C. GRCh37 (hg19) VCF-style: chr10-70192203-T-C.
Other names: short protein forms I571V.
Identifiers: ClinVar variation 2801880 (VCV002801880.3), dbSNP rs2493929619, ClinGen allele CA376857908.

ClinVar aggregate classification (germline): Uncertain significance (1 of 4 stars; one submission).

Submission:

Labcorp Genetics (formerly Invitae), Labcorp
Classification: Uncertain significance. Last evaluated: 2023-11-12. Review status: criteria provided, single submitter. Criteria: Invitae Variant Classification Sherloc (09022015). Collection method: clinical testing. Allele origin: germline.
Comment: This sequence change replaces isoleucine, which is neutral and non-polar, with valine, which is neutral and non-polar, at codon 571 of the DNA2 protein (p.Ile571Val). This variant is not present in population databases (gnomAD no frequency). This variant has not been reported in the literature in individuals affected with DNA2-related conditions. Advanced modeling of protein sequence and biophysical properties (such as structural, functional, and spatial information, amino acid conservation, physicochemical variation, residue mobility, and thermodynamic stability) performed at Invitae indicates that this missense variant is not expected to disrupt DNA2 protein function with a negative predictive value of 80%. In summary, the available evidence is currently insufficient to determine the role of this variant in disease. Therefore, it has been classified as a Variant of Uncertain Significance.